The following is an entry in ClinVar:

ClinVar aggregate classification (germline): Likely pathogenic. Review status: criteria provided, multiple submitters, no conflicts (2 of 4 stars). 2 submissions from 2 submitters: Likely pathogenic (2). Last evaluated 2024-02-05.

Conditions:
Cardiovascular phenotype. Identifiers: MedGen CN230736.
Autosomal recessive limb-girdle muscular dystrophy type 2J (LGMDR10). Also called: Limb-girdle muscular dystrophy, type 2J; MUSCULAR DYSTROPHY, LIMB-GIRDLE, AUTOSOMAL RECESSIVE 10. Identifiers: Orphanet 140922, MedGen C1837342, MONDO:0012127, OMIM 608807.
Dilated cardiomyopathy 1G (CMD1G). Identifiers: Orphanet 154, MedGen C1858763, MONDO:0011400, OMIM 604145.

Submissions (2):

Labcorp Genetics (formerly Invitae), Labcorp
Classification: Likely pathogenic for Dilated cardiomyopathy 1G; Autosomal recessive limb-girdle muscular dystrophy type 2J. Last evaluated: 2024-02-05. Review status: criteria provided, single submitter. Criteria: Invitae Variant Classification Sherloc (09022015). Collection method: clinical testing. Allele origin: germline.
Comment: This sequence change creates a premature translational stop signal (p.Val25652*) in the TTN gene. While this is not anticipated to result in nonsense mediated decay, it is expected to create a truncated TTN protein. This variant is not present in population databases (gnomAD no frequency). This variant has not been reported in the literature in individuals affected with TTN-related conditions. ClinVar contains an entry for this variant (Variation ID: 1744488). This variant is located in the A band of TTN (PMID: 25589632). Truncating variants in this region are significantly overrepresented in patients affected with dilated cardiomyopathy (PMID: 25589632). Truncating variants in this region have also been reported in individuals affected with autosomal recessive centronuclear myopathy (PMID: 23975875). In summary, the currently available evidence indicates that the variant is pathogenic, but additional data are needed to prove that conclusively. Therefore, this variant has been classified as Likely Pathogenic.

Ambry Genetics
Classification: Likely pathogenic for Cardiovascular phenotype. Last evaluated: 2020-03-26. Review status: criteria provided, single submitter. Criteria: Ambry Variant Classification Scheme 2023. Collection method: clinical testing. Allele origin: germline.
Comment: The c.49758delT variant, located in coding exon 153 of the TTN gene, results from a deletion of 1 nucleotide at positions 49758 causing a translational frameshift with a predicted alternate stop codon (p.V16587*). This exon is located in the A-band region of the N2-B isoform of the titin protein and is constitutively expressed in TTN transcripts (percent spliced in or PSI 100%). This alteration is expected to result in loss of function by premature protein truncation or nonsense-mediated mRNA decay. While truncating variants in TTN are present in 1-3% of the general population, truncating variants in the A-band are the most common cause of dilated cardiomyopathy (DCM) (Herman DS et al. N. Engl. J. Med., 2012 Feb;366:619-28; Roberts AM et al. Sci Transl Med, 2015 Jan;7:270ra6). TTN truncating variants encoded in constitutive exons (PSI >90%) have been found to be significantly associated with DCM regardless of their position in titin (Schafer S et al. Nat. Genet., 2017 01;49:46-53). As such, this alteration is classified as likely pathogenic.

Literature cited by the submitters: PubMed 25589632 (cited by Labcorp Genetics (formerly Invitae), Labcorp); PubMed 23975875 (cited by Labcorp Genetics (formerly Invitae), Labcorp).

NM_001267550.2(TTN):c.76953del (p.Val25651_Val25652insTer)

Genes: TTN (titin; minus strand), TTN-AS1 (TTN antisense RNA 1; plus strand). Cytogenetic location: 2q31.2.
Variant type: Deletion.
Coding change: c.76953del on transcript NM_001267550.2 (MANE Select); coding-DNA position 76953, one base deleted (T; older notation c.76953delT).
Protein change: p.Val25651_Val25652insTer.
Molecular consequence: frameshift variant.
Genome position (GRCh38, 1-based): chr2:178,569,179, A deleted on the plus strand (T on the coding strand, the reverse complement: TTN is on the minus strand); the first of 2 consecutive A bases (chr2:178,569,179-178,569,180); deleting either gives the same sequence. VCF-style (leftmost placement, unchanged base first): chr2-178569178-CA-C. GRCh37 (hg19) VCF-style: chr2-179433905-CA-C.
Other names: c.72030del, p.Val24010_Val24011insTer (NM_001256850.1); c.49758del, p.Val16586_Val16587insTer (NM_003319.4); c.69249del, p.Val23083_Val23084insTer (NM_133378.4); c.50133del, p.Val16711_Val16712insTer (NM_133432.3); c.50334del, p.Val16778_Val16779insTer (NM_133437.4); c.49758delT (NM_003319.4).
Identifiers: ClinVar variation 1744488 (VCV001744488.4), dbSNP rs2468394423, ClinGen allele CA2580064822.